The following is an entry in ClinVar:

ClinVar aggregate classification (germline): Uncertain significance (1 of 4 stars; one submission).

Conditions:
Cataract 30 (CTRCT30). Also called: CATARACT 30, PULVERULENT. Identifiers: Orphanet 91492, Orphanet 98984, Orphanet 98992, MedGen C3805411, MONDO:0007286, OMIM 116300.

Allele frequency attached by ClinVar (database versions not stated): ExAC 0.00005; gnomAD exomes 0.00006; 1000 Genomes Project 30x 0.00016; 1000 Genomes Project 0.00020; gnomAD 0.00021.

Submission:

Labcorp Genetics (formerly Invitae), Labcorp
Classification: Uncertain significance for Cataract 30. Last evaluated: 2020-09-03. Review status: criteria provided, single submitter. Criteria: Invitae Variant Classification Sherloc (09022015). Collection method: clinical testing. Allele origin: germline.
Comment: This sequence change replaces arginine with glutamine at codon 304 of the VIM protein (p.Arg304Gln). The arginine residue is highly conserved and there is a small physicochemical difference between arginine and glutamine. This variant is present in population databases (rs552165238, ExAC 0.01%). This variant has not been reported in the literature in individuals with VIM-related conditions. Algorithms developed to predict the effect of missense changes on protein structure and function (SIFT, PolyPhen-2, Align-GVGD) all suggest that this variant is likely to be disruptive, but these predictions have not been confirmed by published functional studies and their clinical significance is uncertain. Algorithms developed to predict the effect of sequence changes on RNA splicing suggest that this variant may create or strengthen a splice site, but this prediction has not been confirmed by published transcriptional studies. In summary, the available evidence is currently insufficient to determine the role of this variant in disease. Therefore, it has been classified as a Variant of Uncertain Significance.

NM_003380.5(VIM):c.911G>A (p.Arg304Gln)

Gene: VIM (vimentin; plus strand). Cytogenetic location: 10p13.
Variant type: single nucleotide variant.
Coding change: c.911G>A on transcript NM_003380.5 (MANE Select); coding-DNA position 911, G replaced by A.
Protein change: p.Arg304Gln; replaces arginine 304 with glutamine.
Molecular consequence: missense variant.
Genome position (GRCh38, 1-based): chr10:17,234,721, G>A. VCF-style: chr10-17234721-G-A. GRCh37 (hg19) VCF-style: chr10-17276720-G-A.
Other names: short protein forms R304Q.
Identifiers: ClinVar variation 1051392 (VCV001051392.9), dbSNP rs552165238, ClinGen allele CA5426612.